The following is an entry in ClinVar:

ClinVar aggregate classification (germline): Uncertain significance (1 of 4 stars; one submission).

Conditions:
Hereditary cancer-predisposing syndrome. Also called: Neoplastic Syndromes, Hereditary; Tumor predisposition; Hereditary Cancer Syndrome; Hereditary neoplastic syndrome. Identifiers: Orphanet 140162, MedGen C0027672, MeSH D009386, MONDO:0015356.
Cardiovascular phenotype. Identifiers: MedGen CN230736.

Submission:

Ambry Genetics
Classification: Uncertain significance for Cardiovascular phenotype; Hereditary cancer-predisposing syndrome. Last evaluated: 2021-12-03. Review status: criteria provided, single submitter. Criteria: Ambry Variant Classification Scheme 2023. Collection method: clinical testing. Allele origin: germline.
Comment: The p.C622G variant (also known as c.1864T>G), located in coding exon 17 of the NF1 gene, results from a T to G substitution at nucleotide position 1864. The cysteine at codon 622 is replaced by glycine, an amino acid with highly dissimilar properties. This amino acid position is highly conserved in available vertebrate species. In addition, this alteration is predicted to be tolerated by in silico analysis. Since supporting evidence is limited at this time, the clinical significance of this alteration remains unclear.

NM_001042492.3(NF1):c.1864T>G (p.Cys622Gly)

Gene: NF1 (neurofibromin 1; plus strand). Cytogenetic location: 17q11.2.
Variant type: single nucleotide variant.
Coding change: c.1864T>G on transcript NM_001042492.3 (MANE Select); coding-DNA position 1864, T replaced by G.
Protein change: p.Cys622Gly; replaces cysteine 622 with glycine.
Molecular consequence: missense variant.
Genome position (GRCh38, 1-based): chr17:31,225,113, T>G. VCF-style: chr17-31225113-T-G. GRCh37 (hg19) VCF-style: chr17-29552131-T-G.
Other names: c.1864T>G, p.Cys622Gly (NM_000267.4); short protein forms C622G.
Identifiers: ClinVar variation 1781566 (VCV001781566.2), dbSNP rs2144025929, ClinGen allele CA399005087.